The following is an entry in ClinVar:

NM_020975.6(RET):c.2017G>A (p.Glu673Lys)

Gene: RET (ret proto-oncogene; plus strand). Cytogenetic location: 10q11.21.
Variant type: single nucleotide variant.
Coding change: c.2017G>A on transcript NM_020975.6 (MANE Select); coding-DNA position 2017, G replaced by A.
Protein change: p.Glu673Lys; replaces glutamic acid 673 with lysine.
Molecular consequence: missense variant.
Genome position (GRCh38, 1-based): chr10:43,114,617, G>A. VCF-style: chr10-43114617-G-A. GRCh37 (hg19) VCF-style: chr10-43610065-G-A.
Other names: c.1729G>A, p.Glu577Lys (NM_001406766.1, NM_001406767.1, NM_001406770.1); c.1753G>A, p.Glu585Lys (NM_001406768.1); c.1621G>A, p.Glu541Lys (NM_001406769.1, NM_001406772.1); c.1120G>A, p.Glu374Lys (NM_001406781.1, NM_001406782.1, NM_001406779.1 and 1 more transcripts); c.991G>A, p.Glu331Lys (NM_001406783.1, NM_001406786.1); c.1027G>A, p.Glu343Lys (NM_001406784.1); c.1000G>A, p.Glu334Lys (NM_001406785.1); c.985G>A, p.Glu329Lys (NM_001406787.1); and 10 more; short protein forms E190K, E238K, E278K, E329K, E331K, E334K, E343K, E374K.
Identifiers: ClinVar variation 4873878 (VCV004873878.2).

ClinVar aggregate classification (germline): Uncertain significance (1 of 4 stars; one submission).

Submission:

CeGaT Center for Human Genetics Tuebingen
Classification: Uncertain significance. Last evaluated: 2026-06-01. Review status: criteria provided, single submitter. Criteria: CeGaT Center For Human Genetics Tuebingen Variant Classification Criteria Version 2. Collection method: clinical testing. Allele origin: germline. Affected: yes. Observed: 1 variant allele.
Comment: RET: PM2